The following is an entry in ClinVar:

ClinVar aggregate classification (germline): Conflicting classifications of pathogenicity. Review status: criteria provided, conflicting classifications (1 of 4 stars). 2 submissions from 2 submitters: Uncertain significance (1); Likely benign (1). Last evaluated 2025-10-21.

Conditions:
Inborn genetic diseases. Identifiers: MedGen C0950123, MeSH D030342.
Combined oxidative phosphorylation defect type 14. Also called: Combined oxidative phosphorylation deficiency 14. Identifiers: Orphanet 319519, MedGen C4755312, MONDO:0013986, OMIM 614946.

Allele frequency attached by ClinVar (database versions not stated): gnomAD exomes below 0.00001 and 0.00001; gnomAD 0.00001 and 0.00002; TOPMed 0.00008.
gnomAD v4.1: 12 of 1,599,720 alleles (0.00075%); highest among the groups gnomAD compares: Admixed American, 0.0068%; no homozygotes.

Submissions (2):

Labcorp Genetics (formerly Invitae), Labcorp
Classification: Uncertain significance for Combined oxidative phosphorylation defect type 14. Last evaluated: 2025-10-21. Review status: criteria provided, single submitter. Criteria: Invitae Variant Classification Sherloc (09022015). Collection method: clinical testing. Allele origin: germline.
Comment: This sequence change replaces isoleucine, which is neutral and non-polar, with valine, which is neutral and non-polar, at codon 209 of the FARS2 protein (p.Ile209Val). This variant is present in population databases (rs764360302, gnomAD 0.0009%). This variant has not been reported in the literature in individuals affected with FARS2-related conditions. ClinVar contains an entry for this variant (Variation ID: 956703). Invitae Evidence Modeling of protein sequence and biophysical properties (such as structural, functional, and spatial information, amino acid conservation, physicochemical variation, residue mobility, and thermodynamic stability) indicates that this missense variant is not expected to disrupt FARS2 protein function with a negative predictive value of 95%. In summary, the available evidence is currently insufficient to determine the role of this variant in disease. Therefore, it has been classified as a Variant of Uncertain Significance.

Ambry Genetics
Classification: Likely benign for Inborn genetic diseases. Last evaluated: 2023-04-11. Review status: criteria provided, single submitter. Criteria: Ambry Variant Classification Scheme 2023. Collection method: clinical testing. Allele origin: germline.

NM_006567.5(FARS2):c.625A>G (p.Ile209Val)

Gene: FARS2 (phenylalanyl-tRNA synthetase 2, mitochondrial; plus strand). Cytogenetic location: 6p25.1.
Variant type: single nucleotide variant.
Coding change: c.625A>G on transcript NM_006567.5 (MANE Select); coding-DNA position 625, A replaced by G.
Protein change: p.Ile209Val; replaces isoleucine 209 with valine.
Molecular consequence: missense variant. On other transcripts: 5 prime UTR variant (2).
Genome position (GRCh38, 1-based): chr6:5,404,554, A>G. VCF-style: chr6-5404554-A-G. GRCh37 (hg19) VCF-style: chr6-5404787-A-G.
Other names: c.625A>G, p.Ile209Val (NM_001318872.2, NM_001374875.1, NM_001374876.1 and 5 more transcripts); c.-72A>G (NM_001375259.1, NM_001375260.1); short protein forms I209V.
Identifiers: ClinVar variation 956703 (VCV000956703.10), dbSNP rs764360302, ClinGen allele CA134315042.